The following is an entry in ClinVar:

ClinVar aggregate classification (germline): Uncertain significance (1 of 4 stars; one submission).

Conditions:
Left-right axis malformations. Identifiers: MedGen C1866091.

Allele frequency attached by ClinVar (database versions not stated): ExAC 0.00001; gnomAD 0.00001; gnomAD exomes 0.00001; TOPMed 0.00002.
gnomAD v4.1: 4 of 1,613,646 alleles (0.00025%); highest among the groups gnomAD compares: African/African-American, 0.0027%; no homozygotes.

Submission:

Labcorp Genetics (formerly Invitae), Labcorp
Classification: Uncertain significance for Left-right axis malformations. Last evaluated: 2020-12-21. Review status: criteria provided, single submitter. Criteria: Invitae Variant Classification Sherloc (09022015). Collection method: clinical testing. Allele origin: germline.
Comment: In summary, the available evidence is currently insufficient to determine the role of this variant in disease. Therefore, it has been classified as a Variant of Uncertain Significance. Algorithms developed to predict the effect of sequence changes on RNA splicing suggest that this variant may disrupt the consensus splice site, but this prediction has not been confirmed by published transcriptional studies. Algorithms developed to predict the effect of missense changes on protein structure and function are either unavailable or do not agree on the potential impact of this missense change (SIFT: "Tolerated"; PolyPhen-2: "Possibly Damaging"; Align-GVGD: "Class C0"). This variant has not been reported in the literature in individuals with LEFTY2-related conditions. This variant is present in population databases (rs774109979, ExAC 0.01%). This sequence change replaces glycine with alanine at codon 246 of the LEFTY2 protein (p.Gly246Ala). The glycine residue is highly conserved and there is a small physicochemical difference between glycine and alanine.

NM_003240.5(LEFTY2):c.737G>C (p.Gly246Ala)

Gene: LEFTY2 (left-right determination factor 2; minus strand). Cytogenetic location: 1q42.12.
Variant type: single nucleotide variant.
Coding change: c.737G>C on transcript NM_003240.5 (MANE Select); coding-DNA position 737, G replaced by C.
Protein change: p.Gly246Ala; replaces glycine 246 with alanine.
Molecular consequence: missense variant.
Genome position (GRCh38, 1-based): chr1:225,939,361, C>G on the plus strand (G>C on the coding strand, the complement: LEFTY2 is on the minus strand). VCF-style: chr1-225939361-C-G. GRCh37 (hg19) VCF-style: chr1-226127061-C-G.
Other names: c.635G>C, p.Gly212Ala (NM_001172425.3); short protein forms G212A, G246A.
Identifiers: ClinVar variation 1345763 (VCV001345763.6), dbSNP rs774109979, ClinGen allele CA1420506.
Genomic context (GRCh38, chr1:225,939,361, plus strand): 5'-GACGGGGGTCTGGACCACTCAGTGGCTGCTTGCCTCCCTTCTGCCCAGTCCTGCACCTAC[C>G]CATAGTCCCTGAGGTCCAGGGTGTGCAGCTCCAGCTGGGGCTCCCCAAGCCCGGCTGGCG-3'
Protein context (NP_003231.2, residues 236-256): ELHTLDLRDY[Gly246Ala]AQGDCDPEAP